The following is an entry in ClinVar:

ClinVar aggregate classification (germline): Uncertain significance (1 of 4 stars; one submission).

Conditions:
Familial cancer of breast. Also called: Hereditary breast cancer; hereditary breast carcinoma; BREAST CANCER, FAMILIAL. Identifiers: Orphanet 227535, MedGen C0346153, MONDO:0016419, OMIM 114480. Disease mechanism: loss of function.

Submission:

Labcorp Genetics (formerly Invitae), Labcorp
Classification: Uncertain significance for Familial cancer of breast. Last evaluated: 2021-04-07. Review status: criteria provided, single submitter. Criteria: Invitae Variant Classification Sherloc (09022015). Collection method: clinical testing. Allele origin: germline.
Comment: This sequence change falls in intron 7 of the CHEK2 gene. It does not directly change the encoded amino acid sequence of the CHEK2 protein, but it affects a nucleotide within the consensus splice site of the intron. In summary, the available evidence is currently insufficient to determine the role of this variant in disease. Therefore, it has been classified as a Variant of Uncertain Significance. Nucleotide substitutions within the consensus splice site are a relatively common cause of aberrant splicing (PMID: 17576681, 9536098). Algorithms developed to predict the effect of sequence changes on RNA splicing suggest that this variant may disrupt the consensus splice site, but this prediction has not been confirmed by published transcriptional studies. This variant has not been reported in the literature in individuals with CHEK2-related conditions. This variant is not present in population databases (ExAC no frequency).

Literature cited by the submitters: PubMed 17576681; PubMed 9536098.

NM_007194.4(CHEK2):c.846+4del

Gene: CHEK2 (checkpoint kinase 2; minus strand). Cytogenetic location: 22q12.1.
Variant type: Deletion.
Coding change: c.846+4del on transcript NM_007194.4 (MANE Select); 4 bases into the intron after coding-DNA position 846, one base deleted (A; older notation c.846+4delA).
Molecular consequence: intron variant.
Genome position (GRCh38, 1-based): chr22:28,710,002, T deleted on the plus strand (A on the coding strand, the reverse complement: CHEK2 is on the minus strand); the first of 2 consecutive T bases (chr22:28,710,002-28,710,003); deleting either gives the same sequence. VCF-style (leftmost placement, unchanged base first): chr22-28710001-CT-C. GRCh37 (hg19) VCF-style: chr22-29105989-CT-C.
Other names: c.183+4del (NM_001437942.1, NM_001257387.3); c.645+4del (NM_001349956.3); c.846+4del (NM_145862.3); c.939+4del (NM_001438295.1, NM_001438293.1); c.975+4del (NM_001438294.1, NM_001005735.3).
Identifiers: ClinVar variation 838872 (VCV000838872.8), dbSNP rs2053328503, ClinGen allele CA916083814.